The following is an entry in ClinVar:

ClinVar aggregate classification (germline): Uncertain significance. Review status: criteria provided, multiple submitters, no conflicts (2 of 4 stars). 2 submissions from 2 submitters: Uncertain significance (2). Last evaluated 2022-06-20.

Conditions:
RYR1-related disorder. Also called: RYR1-related condition; RYR1-related disorders. Identifiers: MedGen CN239331.

Submissions (2):

Labcorp Genetics (formerly Invitae), Labcorp
Classification: Uncertain significance for RYR1-related disorder. Last evaluated: 2022-06-20. Review status: criteria provided, single submitter. Criteria: Invitae Variant Classification Sherloc (09022015). Collection method: clinical testing. Allele origin: germline.
Comment: In summary, the available evidence is currently insufficient to determine the role of this variant in disease. Therefore, it has been classified as a Variant of Uncertain Significance. Advanced modeling of protein sequence and biophysical properties (such as structural, functional, and spatial information, amino acid conservation, physicochemical variation, residue mobility, and thermodynamic stability) performed at Invitae indicates that this missense variant is not expected to disrupt RYR1 protein function. ClinVar contains an entry for this variant (Variation ID: 1007220). This variant has not been reported in the literature in individuals affected with RYR1-related conditions. This variant is not present in population databases (gnomAD no frequency). This sequence change replaces methionine, which is neutral and non-polar, with isoleucine, which is neutral and non-polar, at codon 4000 of the RYR1 protein (p.Met4000Ile).

Revvity Omics, Revvity
Classification: Uncertain significance. Last evaluated: 2020-07-10. Review status: criteria provided, single submitter. Criteria: ACMG Guidelines, 2015. Collection method: clinical testing. Allele origin: germline.

NM_000540.3(RYR1):c.12000G>A (p.Met4000Ile)

Gene: RYR1 (ryanodine receptor 1; plus strand). Cytogenetic location: 19q13.2.
Variant type: single nucleotide variant.
Coding change: c.12000G>A on transcript NM_000540.3 (MANE Select); coding-DNA position 12000, G replaced by A.
Protein change: p.Met4000Ile; replaces methionine 4000 with isoleucine.
Molecular consequence: missense variant.
Genome position (GRCh38, 1-based): chr19:38,543,863, G>A. VCF-style: chr19-38543863-G-A. GRCh37 (hg19) VCF-style: chr19-39034503-G-A.
Other names: c.11985G>A, p.Met3995Ile (NM_001042723.2); c.12000G>A (NM_000540.2); short protein forms M3995I, M4000I.
Identifiers: ClinVar variation 1007220 (VCV001007220.11), dbSNP rs1972311281, ClinGen allele CA405663017.